The following is an entry in ClinVar:

NM_006186.4(NR4A2):c.15G>C (p.Gln5His)

Gene: NR4A2 (nuclear receptor subfamily 4 group A member 2; minus strand). Cytogenetic location: 2q24.1.
Variant type: single nucleotide variant.
Coding change: c.15G>C on transcript NM_006186.4 (MANE Select); coding-DNA position 15, G replaced by C.
Protein change: p.Gln5His; replaces glutamine 5 with histidine.
Molecular consequence: missense variant. On other transcripts: intron variant (1).
Genome position (GRCh38, 1-based): chr2:156,330,172, C>G on the plus strand (G>C on the coding strand, the complement: NR4A2 is on the minus strand). VCF-style: chr2-156330172-C-G. GRCh37 (hg19) VCF-style: chr2-157186684-C-G.
Other names: c.-13-162G>C (NM_173173.3); short protein forms Q5H.
Identifiers: ClinVar variation 2575592 (VCV002575592.2), dbSNP rs2468292501, ClinGen allele CA348683389.

ClinVar aggregate classification (germline): Uncertain significance (1 of 4 stars; one submission).

Submission:

GeneDx
Classification: Uncertain significance. Last evaluated: 2024-09-08. Review status: criteria provided, single submitter. Criteria: GeneDx Variant Classification Process June 2021. Collection method: clinical testing. Allele origin: germline. Affected: yes.
Comment: Not observed at significant frequency in large population cohorts (gnomAD); In silico analysis supports that this missense variant has a deleterious effect on protein structure/function; Has not been previously published as pathogenic or benign to our knowledge